The following is an entry in ClinVar:

NM_001292063.2(OTOG):c.2625C>G (p.Gly875=)

Gene: OTOG (otogelin; plus strand). Cytogenetic location: 11p15.1.
Variant type: single nucleotide variant.
Coding change: c.2625C>G on transcript NM_001292063.2 (MANE Select); coding-DNA position 2625, C replaced by G.
Protein change: p.Gly875=; no amino-acid change (glycine 875 retained).
Molecular consequence: synonymous variant.
Genome position (GRCh38, 1-based): chr11:17,578,392, C>G. VCF-style: chr11-17578392-C-G. GRCh37 (hg19) VCF-style: chr11-17599939-C-G.
Other names: c.2661C>G, p.Gly887= (NM_001277269.2).
Identifiers: ClinVar variation 227772 (VCV000227772.8), dbSNP rs876657552, ClinGen allele CA10576862.
Genomic context (GRCh38, chr11:17,578,392, plus strand): 5'-TGAGGCCCCAGGGCCTCCGCTCCCATCTTCTTCTCTTCCAGCTGCTGCCTGCCCAGCAGG[C>G]CAGGTCTTCGTGAACTGCAGCGACCTGCACACGGACCTGGAGCTGAGCAGGGAGAGGACG-3'
Protein context (NP_001278992.1, residues 865-885): SRAPAAACPA[Gly875=]QVFVNCSDLH

ClinVar aggregate classification (germline): Likely benign. Review status: criteria provided, multiple submitters, no conflicts (2 of 4 stars). 2 submissions from 2 submitters: Likely benign (2). Last evaluated 2021-04-30.

Allele frequency attached by ClinVar (database versions not stated): gnomAD 0.00001; TOPMed 0.00002; gnomAD exomes 0.00003 and 0.00004.
gnomAD v4.1: 55 of 1,528,514 alleles (0.0036%); highest among the groups gnomAD compares: Non-Finnish European, 0.0047%; 1 homozygote.

Submissions (2):

GeneDx
Classification: Likely benign. Last evaluated: 2021-04-30. Review status: criteria provided, single submitter. Criteria: GeneDx Variant Classification Process June 2021. Collection method: clinical testing. Allele origin: germline. Affected: yes.

Laboratory for Molecular Medicine, Mass General Brigham Personalized Medicine
Classification: Likely benign. Last evaluated: 2015-05-12. Review status: criteria provided, single submitter. Criteria: LMM Criteria. Collection method: clinical testing. Allele origin: germline. Observed: 1 variant allele.
Comment: p.Gly887Gly in exon 22 of OTOG: This variant is not expected to have clinical si gnificance because it does not alter an amino acid residue and is not located wi thin the splice consensus sequence.